The following is an entry in ClinVar:

NM_000168.6(GLI3):c.3006G>A (p.Val1002=)

Gene: GLI3 (GLI family zinc finger 3; minus strand). Cytogenetic location: 7p14.1.
Variant type: single nucleotide variant.
Coding change: c.3006G>A on transcript NM_000168.6 (MANE Select); coding-DNA position 3006, G replaced by A.
Protein change: p.Val1002=; no amino-acid change (valine 1002 retained).
Molecular consequence: synonymous variant.
Genome position (GRCh38, 1-based): chr7:41,966,067, C>T on the plus strand (G>A on the coding strand, the complement: GLI3 is on the minus strand). VCF-style: chr7-41966067-C-T. GRCh37 (hg19) VCF-style: chr7-42005665-C-T.
Identifiers: ClinVar variation 3344724 (VCV003344724.1).

ClinVar aggregate classification (germline): Likely benign (0 of 4 stars; one submission).

Conditions:
GLI3-related disorder. Also called: GLI3-related condition; GLI3-related disorders. Identifiers: MedGen CN239292.

Submission:

PreventionGenetics, part of Exact Sciences
Classification: Likely benign for GLI3-related condition. Last evaluated: 2024-07-23. Review status: no assertion criteria provided. Collection method: clinical testing. Allele origin: germline.
Comment: This variant is classified as likely benign based on ACMG/AMP sequence variant interpretation guidelines (Richards et al. 2015 PMID: 25741868, with internal and published modifications).